The following is an entry in ClinVar:

NM_014856.3(DENND4B):c.361G>A (p.Val121Met)

Gene: DENND4B (DENN domain containing 4B; minus strand). Cytogenetic location: 1q21.3.
Variant type: single nucleotide variant.
Coding change: c.361G>A on transcript NM_014856.3 (MANE Select); coding-DNA position 361, G replaced by A.
Protein change: p.Val121Met; replaces valine 121 with methionine.
Molecular consequence: missense variant.
Genome position (GRCh38, 1-based): chr1:153,943,087, C>T on the plus strand (G>A on the coding strand, the complement: DENND4B is on the minus strand). VCF-style: chr1-153943087-C-T. GRCh37 (hg19) VCF-style: chr1-153915563-C-T.
Other names: c.394G>A, p.Val132Met (NM_001367466.1); short protein forms V121M, V132M.
Identifiers: ClinVar variation 3346216 (VCV003346216.1).

ClinVar aggregate classification (germline): Uncertain significance (0 of 4 stars; one submission).

Conditions:
DENND4B-related disorder. Also called: DENND4B-related condition.

gnomAD v4.1: 2 of 1,613,948 alleles (0.00012%); highest among the groups gnomAD compares: African/African-American, 0.0027%; no homozygotes.

Submission:

PreventionGenetics, part of Exact Sciences
Classification: Uncertain significance for DENND4B-related condition. Last evaluated: 2024-05-03. Review status: no assertion criteria provided. Collection method: clinical testing. Allele origin: germline.
Comment: The DENND4B c.361G>A variant is predicted to result in the amino acid substitution p.Val121Met. To our knowledge, this variant has not been reported in the literature or in a large population database, indicating this variant is rare. At this time, the clinical significance of this variant is uncertain due to the absence of conclusive functional and genetic evidence.